The following is an entry in ClinVar:

ClinVar aggregate classification (germline): Uncertain significance. Review status: criteria provided, multiple submitters, no conflicts (2 of 4 stars). 2 submissions from 2 submitters: Uncertain significance (2). Last evaluated 2025-10-22.

Submissions (2):

Mayo Clinic Laboratories, Mayo Clinic
Classification: Uncertain significance. Last evaluated: 2025-10-22. Review status: criteria provided, single submitter. Criteria: ACMG Guidelines, 2015. Collection method: clinical testing. Allele origin: germline. Observed: 1 variant allele.
Comment: BP4_moderate

Blueprint Genetics
Classification: Uncertain significance. Last evaluated: 2018-03-22. Review status: criteria provided, single submitter. Criteria: ACMG Guidelines, 2015. Collection method: clinical testing. Allele origin: germline.

NM_002292.4(LAMB2):c.334G>C (p.Val112Leu)

Gene: LAMB2 (laminin subunit beta 2; minus strand). Cytogenetic location: 3p21.31.
Variant type: single nucleotide variant.
Coding change: c.334G>C on transcript NM_002292.4 (MANE Select); coding-DNA position 334, G replaced by C.
Protein change: p.Val112Leu; replaces valine 112 with leucine.
Molecular consequence: missense variant.
Genome position (GRCh38, 1-based): chr3:49,132,321, C>G on the plus strand (G>C on the coding strand, the complement: LAMB2 is on the minus strand). VCF-style: chr3-49132321-C-G. GRCh37 (hg19) VCF-style: chr3-49169754-C-G.
Other names: p.Val112Leu; short protein forms V112L.
Identifiers: ClinVar variation 4540877 (VCV004540877.2).